The following is an entry in ClinVar:

ClinVar aggregate classification (germline): Likely pathogenic. Review status: criteria provided, multiple submitters, no conflicts (2 of 4 stars). 3 submissions from 3 submitters: Likely pathogenic (2). 1 of the submissions does not count toward it. Last evaluated 2023-06-28.

Conditions:
Breast-ovarian cancer, familial, susceptibility to, 1 (BROVCA1). Also called: BRCA1 Hereditary Breast and Ovarian Cancer; OVARIAN CANCER, SUSCEPTIBILITY TO. Identifiers: Orphanet 145, MedGen C2676676, MONDO:0011450, OMIM 604370. Disease mechanism: loss of function.
Hereditary breast ovarian cancer syndrome. Also called: BRCA1- and BRCA2-Associated Hereditary Breast and Ovarian Cancer; Hereditary breast and ovarian cancer syndrome; Hereditary breast and ovarian cancer syndrome (HBOC); Breast and ovarian cancer; Hereditary breast and/or ovarian cancer syndrome; Hereditary breast and ovarian cancer. Identifiers: Orphanet 145, MedGen C0677776, MeSH D061325, MONDO:0003582. Disease mechanism: loss of function.

Submissions (4):

Myriad Genetics, Inc.
Classification: Likely pathogenic for Breast-ovarian cancer, familial, susceptibility to, 1. Last evaluated: 2023-06-28. Review status: criteria provided, single submitter. Criteria: Myriad Autosomal Dominant, Autosomal Recessive and X-Linked Classification Criteria (2023). Collection method: clinical testing. Allele origin: unknown.
Comment: This variant is considered likely pathogenic. Functional studies indicate this variant impacts protein function [PMID: 30209399, 35196514].

Labcorp Genetics (formerly Invitae), Labcorp
Classification: Likely pathogenic for Hereditary breast ovarian cancer syndrome. Last evaluated: 2022-11-29. Review status: criteria provided, single submitter. Criteria: Invitae Variant Classification Sherloc (09022015). Collection method: clinical testing. Allele origin: germline.
Comment: In summary, the currently available evidence indicates that the variant is pathogenic, but additional data are needed to prove that conclusively. Therefore, this variant has been classified as Likely Pathogenic. This variant disrupts the p.Arg1699 amino acid residue in BRCA1. Other variant(s) that disrupt this residue have been determined to be pathogenic (PMID: 11157798, 17308087, 17574969, 20516115, 21324516, 21356067, 21473589, 22889855, 23867111, 25472942). This suggests that this residue is clinically significant, and that variants that disrupt this residue are likely to be disease-causing. Experimental studies have shown that this missense change affects BRCA1 function (PMID: 20516115, 25748678). Advanced modeling performed at Invitae incorporating data from internal and/or published experimental studies (PMID: 30209399) indicates that this missense variant is expected to disrupt BRCA1 function. ClinVar contains an entry for this variant (Variation ID: 55398). This missense change has been observed in individual(s) with clinical features of BRCA1-related conditions (PMID: 10923033). This variant is not present in population databases (gnomAD no frequency). This sequence change replaces arginine, which is basic and polar, with leucine, which is neutral and non-polar, at codon 1699 of the BRCA1 protein (p.Arg1699Leu).

Breast Cancer Information Core (BIC) (BRCA1)
Classification: Uncertain significance for Breast-ovarian cancer, familial 1. Last evaluated: 1999-12-30. Review status: no assertion criteria provided. Collection method: clinical testing. Allele origin: germline. Affected: yes. Observed: 1 variant allele. Not counted in ClinVar's aggregate classification.

Brotman Baty Institute, University of Washington
No classification provided (evidence only). Condition: Breast-ovarian cancer, familial 1. Review status: no classification provided. Collection method: in vitro. Allele origin: not applicable. Functional consequence: functionally_abnormal. Not counted in ClinVar's aggregate classification.
ClinVar note: "not provided" was previously submitted as the classification for the variant. However, the classification appeared to be based only on an observation of functional data so it was converted to no classification on 2025-07-30.

Literature cited by the submitters: PubMed 30209399 (cited by Myriad Genetics, Inc. and Labcorp Genetics (formerly Invitae), Labcorp); PubMed 35196514 (cited by Myriad Genetics, Inc.); PubMed 11157798 (cited by Labcorp Genetics (formerly Invitae), Labcorp); PubMed 17308087 (cited by Labcorp Genetics (formerly Invitae), Labcorp); PubMed 17574969 (cited by Labcorp Genetics (formerly Invitae), Labcorp); PubMed 20516115 (cited by Labcorp Genetics (formerly Invitae), Labcorp); PubMed 21324516 (cited by Labcorp Genetics (formerly Invitae), Labcorp); PubMed 21356067 (cited by Labcorp Genetics (formerly Invitae), Labcorp); PubMed 21473589 (cited by Labcorp Genetics (formerly Invitae), Labcorp); PubMed 22889855 (cited by Labcorp Genetics (formerly Invitae), Labcorp); PubMed 23867111 (cited by Labcorp Genetics (formerly Invitae), Labcorp); PubMed 25472942 (cited by Labcorp Genetics (formerly Invitae), Labcorp); PubMed 25748678 (cited by Labcorp Genetics (formerly Invitae), Labcorp); PubMed 10923033 (cited by Labcorp Genetics (formerly Invitae), Labcorp).

NM_007294.4(BRCA1):c.5096G>T (p.Arg1699Leu)

Gene: BRCA1 (BRCA1 DNA repair associated; minus strand). Cytogenetic location: 17q21.31.
Variant type: single nucleotide variant.
Coding change: c.5096G>T on transcript NM_007294.4 (MANE Select); coding-DNA position 5096, G replaced by T.
Protein change: p.Arg1699Leu; replaces arginine 1699 with leucine.
Molecular consequence: missense variant. On other transcripts: non-coding transcript variant (1).
Genome position (GRCh38, 1-based): chr17:43,063,930, C>A on the plus strand (G>T on the coding strand, the complement: BRCA1 is on the minus strand). VCF-style: chr17-43063930-C-A. GRCh37 (hg19) VCF-style: chr17-41215947-C-A.
Other names: c.4967G>T, p.Arg1656Leu (NM_001407682.1, NM_001407683.1, NM_001407685.1 and 6 more transcripts); c.5096G>T, p.Arg1699Leu (NM_001407684.1, NM_001407854.1, NM_001407593.1 and 7 more transcripts); c.4964G>T, p.Arg1655Leu (NM_001407690.1, NM_001407691.1); c.5093G>T, p.Arg1698Leu (NM_001407621.1, NM_001407622.1, NM_001407623.1 and 17 more transcripts); c.5090G>T, p.Arg1697Leu (NM_001407627.1, NM_001407628.1, NM_001407629.1 and 14 more transcripts); c.5087G>T, p.Arg1696Leu (NM_001407644.1, NM_001407645.1); c.5084G>T, p.Arg1695Leu (NM_001407646.1); c.5081G>T, p.Arg1694Leu (NM_001407647.1); and 71 more; short protein forms R1699L, R1720L, R1652L, R595L, R1571L, R1586L, R1628L, R1629L.
Identifiers: ClinVar variation 55398 (VCV000055398.15), dbSNP rs41293459, ClinGen allele CA003237.